The following is an entry in ClinVar:

NM_203447.4(DOCK8):c.4003G>T (p.Val1335Leu)

Gene: DOCK8 (dedicator of cytokinesis 8; plus strand). Cytogenetic location: 9p24.3.
Variant type: single nucleotide variant.
Coding change: c.4003G>T on transcript NM_203447.4 (MANE Select); coding-DNA position 4003, G replaced by T.
Protein change: p.Val1335Leu; replaces valine 1335 with leucine.
Molecular consequence: missense variant.
Genome position (GRCh38, 1-based): chr9:420,563, G>T. VCF-style: chr9-420563-G-T. GRCh37 (hg19) VCF-style: chr9-420563-G-T.
Other names: c.3703G>T, p.Val1235Leu (NM_001190458.2); c.3799G>T, p.Val1267Leu (NM_001193536.2); short protein forms V1335L, V1235L, V1267L.
Identifiers: ClinVar variation 391486 (VCV000391486.10), dbSNP rs141863163, ClinGen allele CA4958886.

ClinVar aggregate classification (germline): Uncertain significance. Review status: criteria provided, multiple submitters, no conflicts (2 of 4 stars). 5 submissions from 5 submitters: Uncertain significance (5). Last evaluated 2024-11-14.

Conditions:
Inborn genetic diseases. Identifiers: MedGen C0950123, MeSH D030342.
Combined immunodeficiency due to DOCK8 deficiency (HIES2). Also called: DOCK8 Deficiency; HIES autosomal recessive; HYPER-IgE RECURRENT INFECTION SYNDROME 2, AUTOSOMAL RECESSIVE; HYPER-IgE SYNDROME 2, AUTOSOMAL RECESSIVE, WITH RECURRENT INFECTIONS; Hyper-IgE recurrent infection syndrome, autosomal recessive. Identifiers: Orphanet 217390, MedGen C4722305, MONDO:0009478, OMIM 243700.

Allele frequency attached by ClinVar (database versions not stated): ExAC 0.00006; gnomAD exomes 0.00007 and 0.00017; gnomAD 0.00011 and 0.00013; ESP Exome Variant Server 0.00015; TOPMed 0.00019.
gnomAD v4.1: 261 of 1,614,010 alleles (0.016%); highest among the groups gnomAD compares: Non-Finnish European, 0.02%; no homozygotes.

Submissions (5):

Blueprint Genetics
Classification: Uncertain significance. Last evaluated: 2024-11-14. Review status: criteria provided, single submitter. Criteria: ACMG Guidelines, 2015. Collection method: clinical testing. Allele origin: germline.

Labcorp Genetics (formerly Invitae), Labcorp
Classification: Uncertain significance for Combined immunodeficiency due to DOCK8 deficiency. Last evaluated: 2022-09-19. Review status: criteria provided, single submitter. Criteria: Invitae Variant Classification Sherloc (09022015). Collection method: clinical testing. Allele origin: germline.
Comment: This sequence change replaces valine, which is neutral and non-polar, with leucine, which is neutral and non-polar, at codon 1335 of the DOCK8 protein (p.Val1335Leu). This variant is present in population databases (rs141863163, gnomAD 0.01%). This variant has not been reported in the literature in individuals affected with DOCK8-related conditions. ClinVar contains an entry for this variant (Variation ID: 391486). Advanced modeling of protein sequence and biophysical properties (such as structural, functional, and spatial information, amino acid conservation, physicochemical variation, residue mobility, and thermodynamic stability) performed at Invitae indicates that this missense variant is not expected to disrupt DOCK8 protein function. In summary, the available evidence is currently insufficient to determine the role of this variant in disease. Therefore, it has been classified as a Variant of Uncertain Significance.

Ambry Genetics
Classification: Uncertain significance for Inborn genetic diseases. Last evaluated: 2022-05-27. Review status: criteria provided, single submitter. Criteria: Ambry Variant Classification Scheme 2023. Collection method: clinical testing. Allele origin: germline.

AiLife Diagnostics
Classification: Uncertain significance. Last evaluated: 2020-05-01. Review status: criteria provided, single submitter. Criteria: ACMG Guidelines, 2015. Collection method: clinical testing. Allele origin: germline. Affected: yes. Observed: 1 variant allele.

GeneDx
Classification: Uncertain significance. Last evaluated: 2016-12-23. Review status: criteria provided, single submitter. Criteria: GeneDx Variant Classification (06012015). Collection method: clinical testing. Allele origin: germline. Affected: yes.
Comment: The V1267L variant in the DOCK8 gene has not been reported previously as a pathogenic variant, nor as a benign variant, to our knowledge. The V1267L variant was not observed at any significant frequency in approximately 6,500 individuals of European and African American ancestry by the NHLBI Exome Sequencing Project. The V1267L variant is a conservative amino acid substitution, which is not likely to impact secondary protein structure as these residues share similar properties. This substitution occurs at a position that is conserved across species. In silico analysis is inconsistent in its predictions as to whether or not the variant is damaging to the protein structure/function. We interpret V1267L as a variant of uncertain significance.